The following is an entry in ClinVar:

ClinVar aggregate classification (germline): Uncertain significance (1 of 4 stars; one submission).

Conditions:
Schimke immuno-osseous dysplasia (SIOD). Also called: Schimke Immunoosseous Dysplasia. Identifiers: Orphanet 1830, MedGen C0877024, MONDO:0009458, OMIM 242900.

Submission:

Labcorp Genetics (formerly Invitae), Labcorp
Classification: Uncertain significance for Schimke immuno-osseous dysplasia. Last evaluated: 2024-08-08. Review status: criteria provided, single submitter. Criteria: Invitae Variant Classification Sherloc (09022015). Collection method: clinical testing. Allele origin: germline.
Comment: This sequence change replaces glycine, which is neutral and non-polar, with alanine, which is neutral and non-polar, at codon 451 of the SMARCAL1 protein (p.Gly451Ala). This variant is not present in population databases (gnomAD no frequency). This variant has not been reported in the literature in individuals affected with SMARCAL1-related conditions. Advanced modeling of protein sequence and biophysical properties (such as structural, functional, and spatial information, amino acid conservation, physicochemical variation, residue mobility, and thermodynamic stability) performed at Invitae indicates that this missense variant is not expected to disrupt SMARCAL1 protein function with a negative predictive value of 80%. In summary, the available evidence is currently insufficient to determine the role of this variant in disease. Therefore, it has been classified as a Variant of Uncertain Significance.

NM_014140.4(SMARCAL1):c.1352G>C (p.Gly451Ala)

Gene: SMARCAL1 (SNF2 related chromatin remodeling annealing helicase 1; plus strand). Cytogenetic location: 2q35.
Variant type: single nucleotide variant.
Coding change: c.1352G>C on transcript NM_014140.4 (MANE Select); coding-DNA position 1352, G replaced by C.
Protein change: p.Gly451Ala; replaces glycine 451 with alanine.
Molecular consequence: missense variant.
Genome position (GRCh38, 1-based): chr2:216,432,735, G>C. VCF-style: chr2-216432735-G-C. GRCh37 (hg19) VCF-style: chr2-217297458-G-C.
Other names: c.1352G>C, p.Gly451Ala (NM_001127207.2); short protein forms G451A.
Identifiers: ClinVar variation 3620609 (VCV003620609.2).
Genomic context (GRCh38, chr2:216,432,735, plus strand): 5'-CATGCCCCGGGAAATGTGCCATCCTCACCTTGTCTGCCTTCAGTTTTGCCATAGCCAAAG[G>C]AGGCCGCCTGCTGCTCGCTGACGACATGGGCCTGGGGAAGACCATCCAAGCCATCTGCAT-3'
Protein context (NP_054859.2, residues 441-461): RAGVNFAIAK[Gly451Ala]GRLLLADDMG